The following is an entry in ClinVar:

ClinVar aggregate classification (germline): Uncertain significance (1 of 4 stars; one submission).

Allele frequency attached by ClinVar (database versions not stated): gnomAD 0.00001.
gnomAD v4.1: 14 of 1,614,058 alleles (0.00087%); highest among the groups gnomAD compares: African/African-American, 0.0013%; no homozygotes.

Submission:

Labcorp Genetics (formerly Invitae), Labcorp
Classification: Uncertain significance. Last evaluated: 2022-08-09. Review status: criteria provided, single submitter. Criteria: Invitae Variant Classification Sherloc (09022015). Collection method: clinical testing. Allele origin: germline.
Comment: ClinVar contains an entry for this variant (Variation ID: 1503922). Algorithms developed to predict the effect of missense changes on protein structure and function are either unavailable or do not agree on the potential impact of this missense change (SIFT: "Deleterious"; PolyPhen-2: "Possibly Damaging"; Align-GVGD: "Class C15"). In summary, the available evidence is currently insufficient to determine the role of this variant in disease. Therefore, it has been classified as a Variant of Uncertain Significance. This variant has not been reported in the literature in individuals affected with OPN1SW-related conditions. This variant is not present in population databases (gnomAD no frequency). This sequence change replaces threonine, which is neutral and polar, with asparagine, which is neutral and polar, at codon 286 of the OPN1SW protein (p.Thr286Asn).

NM_001385125.1(OPN1SW):c.848C>A (p.Thr283Asn)

Gene: OPN1SW (opsin 1, short wave sensitive; minus strand). Cytogenetic location: 7q32.1.
Variant type: single nucleotide variant.
Coding change: c.848C>A on transcript NM_001385125.1 (MANE Select); coding-DNA position 848, C replaced by A.
Protein change: p.Thr283Asn; replaces threonine 283 with asparagine.
Molecular consequence: missense variant.
Genome position (GRCh38, 1-based): chr7:128,773,719, G>T on the plus strand (C>A on the coding strand, the complement: OPN1SW is on the minus strand). VCF-style: chr7-128773719-G-T. GRCh37 (hg19) VCF-style: chr7-128413773-G-T.
Other names: short protein forms T283N.
Identifiers: ClinVar variation 1503922 (VCV001503922.6), dbSNP rs1424127387, ClinGen allele CA369217676.